The following is an entry in ClinVar:

ClinVar aggregate classification (germline): Pathogenic (1 of 4 stars; one submission).

Conditions:
Duchenne muscular dystrophy (DMD). Also called: MUSCULAR DYSTROPHY, PSEUDOHYPERTROPHIC PROGRESSIVE, DUCHENNE TYPE; Duchenne Muscular Dystrophy (DMD). Identifiers: Orphanet 98896, MedGen C0013264, MONDO:0010679, OMIM 310200.

Submission:

Labcorp Genetics (formerly Invitae), Labcorp
Classification: Pathogenic for Duchenne muscular dystrophy. Last evaluated: 2025-08-26. Review status: criteria provided, single submitter. Criteria: Invitae Variant Classification Sherloc (09022015). Collection method: clinical testing. Allele origin: germline.
Comment: This sequence change creates a premature translational stop signal (p.Glu1826Asnfs*22) in the DMD gene. It is expected to result in an absent or disrupted protein product. Loss-of-function variants in DMD are known to be pathogenic (PMID: 16770791, 25007885). This variant is not present in population databases (gnomAD no frequency). This premature translational stop signal has been observed in individual(s) with Duchenne muscular dystrophy (PMID: 21515508). For these reasons, this variant has been classified as Pathogenic.

Literature cited by the submitters: PubMed 16770791; PubMed 25007885; PubMed 21515508.

NM_004006.3(DMD):c.5475del (p.Glu1826fs)

Gene: DMD (dystrophin; minus strand). Cytogenetic location: Xp21.1.
Variant type: Deletion.
Coding change: c.5475del on transcript NM_004006.3 (MANE Select); coding-DNA position 5475, one base deleted (A; older notation c.5475delA).
Protein change: p.Glu1826fs; shifts the reading frame from glutamic acid 1826.
Molecular consequence: frameshift variant.
Genome position (GRCh38, 1-based): chrX:32,346,054, T deleted on the plus strand (A on the coding strand, the reverse complement: DMD is on the minus strand); the first of 4 consecutive T bases (chrX:32,346,054-32,346,057); deleting any one gives the same sequence. VCF-style (leftmost placement, unchanged base first): chrX-32346053-CT-C. GRCh37 (hg19) VCF-style: chrX-32364170-CT-C.
Other names: c.5451del, p.Glu1818fs (NM_000109.4); c.5463del, p.Glu1822fs (NM_004009.3); c.5106del, p.Glu1703fs (NM_004010.3); c.1452del, p.Glu485fs (NM_004011.4); c.1443del, p.Glu482fs (NM_004012.4); short protein forms E1826fs, E482fs, E1822fs, E485fs, E1703fs, E1818fs.
Identifiers: ClinVar variation 4710676 (VCV004710676.1).